The following is an entry in ClinVar:

NM_007315.4(STAT1):c.2135+2T>A

Gene: STAT1 (signal transducer and activator of transcription 1; minus strand). Cytogenetic location: 2q32.2.
Variant type: single nucleotide variant.
Coding change: c.2135+2T>A on transcript NM_007315.4 (MANE Select); the canonical splice donor site of the intron after coding-DNA position 2135, T replaced by A.
Molecular consequence: splice donor variant. On other transcripts: stop lost (1), intron variant (1).
Genome position (GRCh38, 1-based): chr2:190,975,810, A>T on the plus strand (T>A on the coding strand, the complement: STAT1 is on the minus strand). VCF-style: chr2-190975810-A-T. GRCh37 (hg19) VCF-style: chr2-191840536-A-T.
Other names: c.2137T>A, p.Ter713Lys (NM_139266.3); c.2045+2T>A (NM_001384890.1); c.2036+2T>A (NM_001384883.1); c.1976+2T>A (NM_001384885.1); c.2042+2T>A (NM_001384887.1); c.2075+2T>A (NM_001384880.1); c.2105+2T>A (NM_001384888.1); c.2129+2T>A (NM_001384882.1); and 5 more.
Identifiers: ClinVar variation 1349352 (VCV001349352.8), dbSNP rs2124996603, ClinGen allele CA349911802.

ClinVar aggregate classification (germline): Likely pathogenic (1 of 4 stars; one submission).

Conditions:
Immunodeficiency 31B. Also called: IMMUNODEFICIENCY 31B, MYCOBACTERIAL AND VIRAL INFECTIONS, AUTOSOMAL RECESSIVE; STAT1 DEFICIENCY, AUTOSOMAL RECESSIVE. Identifiers: Orphanet 391311, MedGen C3151088, MONDO:0013427, OMIM 613796.
Autoimmune enteropathy and endocrinopathy - susceptibility to chronic infections syndrome. Also called: Immunodeficiency 31C; Immunodeficiency 31C, autosomal dominant. Identifiers: Orphanet 391487, MedGen C3279990, MONDO:0013599, OMIM 614162.
Mendelian susceptibility to mycobacterial diseases due to partial STAT1 deficiency. Also called: Immunodeficiency 31a; IMMUNODEFICIENCY 31A, MYCOBACTERIOSIS, AUTOSOMAL DOMINANT; STAT1 DEFICIENCY, AUTOSOMAL DOMINANT. Identifiers: Orphanet 319595, MedGen C4013950, MONDO:0013956, OMIM 614892.

Submission:

Labcorp Genetics (formerly Invitae), Labcorp
Classification: Likely pathogenic for Mendelian susceptibility to mycobacterial diseases due to partial STAT1 deficiency; Immunodeficiency 31B; Autoimmune enteropathy and endocrinopathy - susceptibility to chronic infections syndrome. Last evaluated: 2024-10-07. Review status: criteria provided, single submitter. Criteria: Invitae Variant Classification Sherloc (09022015). Collection method: clinical testing. Allele origin: germline.
Comment: This sequence change affects a donor splice site in intron 23 of the STAT1 gene. It is expected to disrupt RNA splicing. Variants that disrupt the donor or acceptor splice site typically lead to a loss of protein function (PMID: 16199547), and loss-of-function variants in STAT1 are known to be pathogenic (PMID: 22651901). This variant is not present in population databases (gnomAD no frequency). This variant has not been reported in the literature in individuals affected with STAT1-related conditions. ClinVar contains an entry for this variant (Variation ID: 1349352). Algorithms developed to predict the effect of sequence changes on RNA splicing suggest that this variant may disrupt the consensus splice site. In summary, the currently available evidence indicates that the variant is pathogenic, but additional data are needed to prove that conclusively. Therefore, this variant has been classified as Likely Pathogenic.

Literature cited by the submitters: PubMed 16199547; PubMed 22651901.